The following is an entry in ClinVar:

ClinVar aggregate classification (germline): Uncertain significance (1 of 4 stars; one submission).

Submission:

Labcorp Genetics (formerly Invitae), Labcorp
Classification: Uncertain significance. Last evaluated: 2022-06-17. Review status: criteria provided, single submitter. Criteria: Invitae Variant Classification Sherloc (09022015). Collection method: clinical testing. Allele origin: germline.
Comment: This sequence change replaces histidine, which is basic and polar, with glutamine, which is neutral and polar, at codon 622 of the PDE6A protein (p.His622Gln). This variant is not present in population databases (gnomAD no frequency). This variant has not been reported in the literature in individuals affected with PDE6A-related conditions. Algorithms developed to predict the effect of missense changes on protein structure and function are either unavailable or do not agree on the potential impact of this missense change (SIFT: "Tolerated"; PolyPhen-2: "Probably Damaging"; Align-GVGD: "Class C0"). In summary, the available evidence is currently insufficient to determine the role of this variant in disease. Therefore, it has been classified as a Variant of Uncertain Significance.

NM_000440.3(PDE6A):c.1866T>G (p.His622Gln)

Gene: PDE6A (phosphodiesterase 6A; minus strand). Cytogenetic location: 5q32.
Variant type: single nucleotide variant.
Coding change: c.1866T>G on transcript NM_000440.3 (MANE Select); coding-DNA position 1866, T replaced by G.
Protein change: p.His622Gln; replaces histidine 622 with glutamine.
Molecular consequence: missense variant.
Genome position (GRCh38, 1-based): chr5:149,884,840, A>C on the plus strand (T>G on the coding strand, the complement: PDE6A is on the minus strand). VCF-style: chr5-149884840-A-C. GRCh37 (hg19) VCF-style: chr5-149264403-A-C.
Other names: c.1623T>G, p.His541Gln (NM_001410788.1); short protein forms H541Q, H622Q.
Identifiers: ClinVar variation 2007651 (VCV002007651.4), dbSNP rs778530973, ClinGen allele CA361693564.